The following is an entry in ClinVar:

ClinVar aggregate classification (germline): Uncertain significance (1 of 4 stars; one submission).

Conditions:
Multiple endocrine neoplasia, type 2 (MEN2). Identifiers: Orphanet 653, MedGen C4048306, MONDO:0019003. Disease mechanism: gain of function.

gnomAD v4.1: 1 of 1,612,840 alleles (0.000062%); highest among the groups gnomAD compares: Non-Finnish European, 0.000085%; no homozygotes.

Submission:

Labcorp Genetics (formerly Invitae), Labcorp
Classification: Uncertain significance for Multiple endocrine neoplasia, type 2. Last evaluated: 2022-08-22. Review status: criteria provided, single submitter. Criteria: Invitae Variant Classification Sherloc (09022015). Collection method: clinical testing. Allele origin: germline.
Comment: In summary, the available evidence is currently insufficient to determine the role of this variant in disease. Therefore, it has been classified as a Variant of Uncertain Significance. Algorithms developed to predict the effect of missense changes on protein structure and function are either unavailable or do not agree on the potential impact of this missense change (SIFT: "Tolerated"; PolyPhen-2: "Probably Damaging"; Align-GVGD: "Class C0"). ClinVar contains an entry for this variant (Variation ID: 844448). This variant has not been reported in the literature in individuals affected with RET-related conditions. This variant is not present in population databases (gnomAD no frequency). This sequence change replaces tyrosine, which is neutral and polar, with cysteine, which is neutral and slightly polar, at codon 826 of the RET protein (p.Tyr826Cys).

NM_020975.6(RET):c.2477A>G (p.Tyr826Cys)

Gene: RET (ret proto-oncogene; plus strand). Cytogenetic location: 10q11.21.
Variant type: single nucleotide variant.
Coding change: c.2477A>G on transcript NM_020975.6 (MANE Select); coding-DNA position 2477, A replaced by G.
Protein change: p.Tyr826Cys; replaces tyrosine 826 with cysteine.
Molecular consequence: missense variant.
Genome position (GRCh38, 1-based): chr10:43,119,615, A>G. VCF-style: chr10-43119615-A-G. GRCh37 (hg19) VCF-style: chr10-43615063-A-G.
Other names: c.2477A>G, p.Tyr826Cys (NM_000323.2, NM_001406743.1, NM_001406744.1 and 4 more transcripts); c.1715A>G, p.Tyr572Cys (NM_001355216.2); c.2348A>G, p.Tyr783Cys (NM_001406761.1, NM_001406762.1, NM_001406764.1); c.2342A>G, p.Tyr781Cys (NM_001406763.1, NM_001406765.1); c.2189A>G, p.Tyr730Cys (NM_001406766.1, NM_001406767.1, NM_001406770.1); c.2213A>G, p.Tyr738Cys (NM_001406768.1); c.2081A>G, p.Tyr694Cys (NM_001406769.1, NM_001406772.1); c.2039A>G, p.Tyr680Cys (NM_001406771.1, NM_001406773.1); and 10 more; short protein forms Y572C, Y826C, Y343C, Y694C, Y730C, Y584C, Y651C, Y484C.
Identifiers: ClinVar variation 844448 (VCV000844448.10), dbSNP rs34617196, ClinGen allele CA206266604.